The following is an entry in ClinVar:

NM_001124758.3(SPNS2):c.1561G>A (p.Ala521Thr)

Gene: SPNS2 (SPNS lysolipid transporter 2, sphingosine-1-phosphate; plus strand). Cytogenetic location: 17p13.2.
Variant type: single nucleotide variant.
Coding change: c.1561G>A on transcript NM_001124758.3 (MANE Select); coding-DNA position 1561, G replaced by A.
Protein change: p.Ala521Thr; replaces alanine 521 with threonine.
Molecular consequence: missense variant.
Genome position (GRCh38, 1-based): chr17:4,536,380, G>A. VCF-style: chr17-4536380-G-A. GRCh37 (hg19) VCF-style: chr17-4439675-G-A.
Other names: c.1561G>A (NM_001124758.1); short protein forms A521T.
Identifiers: ClinVar variation 3048494 (VCV003048494.3), dbSNP rs148688950, ClinGen allele CA8303485.
Genomic context (GRCh38, chr17:4,536,380, plus strand): 5'-CTGGGCTACGCGCTCATGCTCTGCCCTTTCGTCGTGGTCCTGGGCGGCATGTTCTTCCTC[G>A]CCACTGCGCTCTTCTTCGTCAGCGACCGCGCCAGGGCTGAGCAGCAGTGAGTGGGGGGGA-3'
Protein context (NP_001118230.1, residues 511-531): VVVLGGMFFL[Ala521Thr]TALFFVSDRA

ClinVar aggregate classification (germline): Uncertain significance. Review status: criteria provided, single submitter (1 of 4 stars). 2 submissions from 2 submitters: Uncertain significance (1). 1 of the submissions does not count toward it. Last evaluated 2025-08-30.

Conditions:
SPNS2-related disorder. Also called: SPNS2-related condition.

Allele frequency attached by ClinVar (database versions not stated): gnomAD exomes 0.00012; ExAC 0.00034; ESP Exome Variant Server 0.00097; TOPMed 0.00100; gnomAD 0.00101; 1000 Genomes Project 30x 0.00141; 1000 Genomes Project 0.00160.
gnomAD v4.1: 336 of 1,608,038 alleles (0.021%); highest among the groups gnomAD compares: African/African-American, 0.31%; 1 homozygote.

Submissions (2):

Ambry Genetics
Classification: Uncertain significance. Last evaluated: 2025-08-30. Review status: criteria provided, single submitter. Criteria: Ambry Variant Classification Scheme 2023. Collection method: clinical testing. Allele origin: germline.

PreventionGenetics, part of Exact Sciences
Classification: Likely benign for SPNS2-related condition. Last evaluated: 2022-10-26. Review status: no assertion criteria provided. Collection method: clinical testing. Allele origin: germline. Not counted in ClinVar's aggregate classification.
Comment: This variant is classified as likely benign based on ACMG/AMP sequence variant interpretation guidelines (Richards et al. 2015 PMID: 25741868, with internal and published modifications).